The following is an entry in ClinVar:

ClinVar aggregate classification (germline): Uncertain significance. Review status: criteria provided, multiple submitters, no conflicts (2 of 4 stars). 3 submissions from 3 submitters: Uncertain significance (3). Last evaluated 2024-10-31.

Conditions:
Hereditary cancer-predisposing syndrome. Also called: Hereditary neoplastic syndrome; Hereditary Cancer Syndrome; Neoplastic Syndromes, Hereditary; Tumor predisposition. Identifiers: Orphanet 140162, MedGen C0027672, MeSH D009386, MONDO:0015356.
Familial spontaneous pneumothorax (PSP). Identifiers: Orphanet 2903, MedGen C1868193, MONDO:0008259, OMIM 173600.
Colorectal cancer. Also called: Colorectal cancer, somatic; Malignant Colorectal Neoplasm. Identifiers: MedGen C0346629, MONDO:0005575, OMIM 114500.
Birt-Hogg-Dube syndrome 1 (BHD1). Also called: FIBROFOLLICULOMAS WITH TRICHODISCOMAS AND ACROCHORDONS. Identifiers: Orphanet 122, MedGen CN375946, MONDO:0800445, OMIM 135150.
Nonpapillary renal cell carcinoma. Identifiers: Orphanet 422526, MedGen CN074294, MONDO:0007763, OMIM 144700.
Birt-Hogg-Dube syndrome. Also called: Birt Hogg Dubé syndrome. Identifiers: Orphanet 122, MedGen C0346010, MONDO:0800444.

Allele frequency attached by ClinVar (database versions not stated): gnomAD exomes below 0.00001.
gnomAD v4.1: 1 of 1,613,522 alleles (0.000062%); highest among the groups gnomAD compares: Non-Finnish European, 0.000085%; no homozygotes.

Submissions (3):

Ambry Genetics
Classification: Uncertain significance for Hereditary cancer-predisposing syndrome. Last evaluated: 2024-10-31. Review status: criteria provided, single submitter. Criteria: Ambry Variant Classification Scheme 2023. Collection method: clinical testing. Allele origin: germline.
Comment: The p.S432F variant (also known as c.1295C>T), located in coding exon 8 of the FLCN gene, results from a C to T substitution at nucleotide position 1295. The serine at codon 432 is replaced by phenylalanine, an amino acid with highly dissimilar properties. This amino acid position is conserved. In addition, the in silico prediction for this alteration is inconclusive. Based on the available evidence, the clinical significance of this variant remains unclear.

Fulgent Genetics
Classification: Uncertain significance for Colorectal cancer; Birt-Hogg-Dube syndrome 1; Nonpapillary renal cell carcinoma; Familial spontaneous pneumothorax. Last evaluated: 2024-02-12. Review status: criteria provided, single submitter. Criteria: ACMG Guidelines, 2015. Collection method: clinical testing. Allele origin: germline.

Labcorp Genetics (formerly Invitae), Labcorp
Classification: Uncertain significance for Birt-Hogg-Dube syndrome. Last evaluated: 2023-12-15. Review status: criteria provided, single submitter. Criteria: Invitae Variant Classification Sherloc (09022015). Collection method: clinical testing. Allele origin: germline.
Comment: This sequence change replaces serine, which is neutral and polar, with phenylalanine, which is neutral and non-polar, at codon 432 of the FLCN protein (p.Ser432Phe). This variant is not present in population databases (gnomAD no frequency). This variant has not been reported in the literature in individuals affected with FLCN-related conditions. Advanced modeling of protein sequence and biophysical properties (such as structural, functional, and spatial information, amino acid conservation, physicochemical variation, residue mobility, and thermodynamic stability) performed at Invitae indicates that this missense variant is not expected to disrupt FLCN protein function with a negative predictive value of 80%. In summary, the available evidence is currently insufficient to determine the role of this variant in disease. Therefore, it has been classified as a Variant of Uncertain Significance.

NM_144997.7(FLCN):c.1295C>T (p.Ser432Phe)

Gene: FLCN (folliculin; minus strand). Cytogenetic location: 17p11.2.
Variant type: single nucleotide variant.
Coding change: c.1295C>T on transcript NM_144997.7 (MANE Select); coding-DNA position 1295, C replaced by T.
Protein change: p.Ser432Phe; replaces serine 432 with phenylalanine.
Molecular consequence: missense variant.
Genome position (GRCh38, 1-based): chr17:17,216,385, G>A on the plus strand (C>T on the coding strand, the complement: FLCN is on the minus strand). VCF-style: chr17-17216385-G-A. GRCh37 (hg19) VCF-style: chr17-17119699-G-A.
Other names: c.1349C>T, p.Ser450Phe (NM_001353229.2); c.1295C>T, p.Ser432Phe (NM_001353230.2, NM_001353231.2); short protein forms S432F, S450F.
Identifiers: ClinVar variation 3015980 (VCV003015980.5), dbSNP rs2544161000, ClinGen allele CA398531588.
Genomic context (GRCh38, chr17:17,216,385, plus strand): 5'-AGGCGTGGGGAACCTCAGCGCAGGGCATGGCCCCACAGCCCGCGGGGGCACGCACCTGAG[G>A]AGAGCACGTGGGGGGGGATCTGCACGTGCGGGCTGAGCCCCAGGAAGTTGCACCGATAGG-3'
Protein context (NP_659434.2, residues 422-442): PHVQIPPHVL[Ser432Phe]SEFAVIVEVH